The following is an entry in ClinVar:

NM_030667.3(PTPRO):c.3470G>A (p.Arg1157Gln)

Gene: PTPRO (protein tyrosine phosphatase receptor type O; plus strand). Cytogenetic location: 12p12.3.
Variant type: single nucleotide variant.
Coding change: c.3470G>A on transcript NM_030667.3 (MANE Select); coding-DNA position 3470, G replaced by A.
Protein change: p.Arg1157Gln; replaces arginine 1157 with glutamine.
Molecular consequence: missense variant.
Genome position (GRCh38, 1-based): chr12:15,589,514, G>A. VCF-style: chr12-15589514-G-A. GRCh37 (hg19) VCF-style: chr12-15742448-G-A.
Other names: c.3386G>A, p.Arg1129Gln (NM_002848.4); c.953G>A, p.Arg318Gln (NM_030668.3, NM_030670.3); c.1037G>A, p.Arg346Gln (NM_030669.3, NM_030671.3); short protein forms R1129Q, R318Q, R346Q, R1157Q.
Identifiers: ClinVar variation 710608 (VCV000710608.13), dbSNP rs151225487, ClinGen allele CA6467177.

ClinVar aggregate classification (germline): Benign/Likely benign. Review status: criteria provided, multiple submitters, no conflicts (2 of 4 stars). 3 submissions from 3 submitters: Benign (2); Likely benign (1). Last evaluated 2026-01-24.

Allele frequency attached by ClinVar (database versions not stated): ESP Exome Variant Server 0.00015; gnomAD 0.00045 and 0.00048; 1000 Genomes Project 0.00060; 1000 Genomes Project 30x 0.00062; TOPMed 0.00130; ExAC 0.00175; gnomAD exomes 0.00228.
gnomAD v4.1: 752 of 1,614,092 alleles (0.047%); highest among the groups gnomAD compares: Admixed American, 1.2%; 6 homozygotes.

Submissions (3):

Labcorp Genetics (formerly Invitae), Labcorp
Classification: Benign. Last evaluated: 2026-01-24. Review status: criteria provided, single submitter. Criteria: Invitae Variant Classification Sherloc (09022015). Collection method: clinical testing. Allele origin: germline.

GeneDx
Classification: Likely benign. Last evaluated: 2024-12-04. Review status: criteria provided, single submitter. Criteria: GeneDx Variant Classification Process June 2021. Collection method: clinical testing. Allele origin: germline. Affected: yes.
Comment: See Variant Classification Assertion Criteria.

Breakthrough Genomics
Classification: Benign. Review status: criteria provided, single submitter. Criteria: ACMG Guidelines, 2015. Collection method: not provided. Allele origin: germline. Inheritance: Autosomal recessive inheritance. Affected: yes.